The following is an entry in ClinVar:

NM_001429.4(EP300):c.3838G>T (p.Ala1280Ser)

Gene: EP300 (EP300 lysine acetyltransferase; plus strand). Cytogenetic location: 22q13.2.
Variant type: single nucleotide variant.
Coding change: c.3838G>T on transcript NM_001429.4 (MANE Select); coding-DNA position 3838, G replaced by T.
Protein change: p.Ala1280Ser; replaces alanine 1280 with serine.
Molecular consequence: missense variant.
Genome position (GRCh38, 1-based): chr22:41,166,630, G>T. VCF-style: chr22-41166630-G-T. GRCh37 (hg19) VCF-style: chr22-41562634-G-T.
Other names: c.3760G>T, p.Ala1254Ser (NM_001362843.2); short protein forms A1254S, A1280S.
Identifiers: ClinVar variation 1699276 (VCV001699276.3), dbSNP rs2059136013, ClinGen allele CA411698644.

ClinVar aggregate classification (germline): Uncertain significance (1 of 4 stars; one submission).

Conditions:
Rubinstein-Taybi syndrome due to EP300 haploinsufficiency. Also called: EP300-Related Rubinstein-Taybi Syndrome; RUBINSTEIN-TAYBI SYNDROME 2. Identifiers: Orphanet 353284, Orphanet 783, MedGen C3150941, MONDO:0013364, OMIM 613684.

Submission:

Victorian Clinical Genetics Services, Murdoch Childrens Research Institute
Classification: Uncertain significance for Rubinstein-Taybi syndrome due to EP300 haploinsufficiency. Last evaluated: 2022-06-24. Review status: criteria provided, single submitter. Criteria: ACMG Guidelines, 2015. Collection method: clinical testing. Allele origin: germline. Inheritance: Autosomal dominant inheritance. Affected: yes.
Comment: Based on the classification scheme VCGS_Germline_v1.3.4, this variant is classified as VUS-3B. Following criteria are met: 0102 - Loss of function is a known mechanism of disease in this gene and is associated with Rubinstein-Taybi syndrome 2 (RSTS; MIM#613684) and Menke-Hennekam syndrome 2 (MHS2; MIM#618333). Additionally, dominant negative is a suggested mechanism (PMIDs: 20301699, 24381114). Variants reported to cause RSTS are found throughout the protein, whereas of the few variants reported to cause MHS, all were located in exon 31 (PMID: 29460469). (I) 0107 - This gene is associated with autosomal dominant disease. (I) 0115 - Variants in this gene are known to have variable expressivity. Clinical features and developmental outcomes vary considerably between individuals with RSTS, with rare reports of pathogenic variants inherited from asymptomatic or mildly affected parents (PMID: 20301699). (I) 0200 - Variant is predicted to result in a missense amino acid change from alanine to serine. (I) 0251 - This variant is heterozygous. (I) 0301 - Variant is absent from gnomAD (both v2 and v3). (SP) 0502 - Missense variant with conflicting in silico predictions and uninformative conservation. (I) 0604 - Variant is not located in an established domain, motif, hotspot or informative constraint region. (I) 0705 - No comparable missense variants have previous evidence for pathogenicity. (I) 0807 - This variant has no previous evidence of pathogenicity. (I) 0905 - No published segregation evidence has been identified for this variant. (I) 1007 - No published functional evidence has been identified for this variant. (I) 1208 - Inheritance information for this variant is not currently available in this individual. (I) Legend: (SP) - Supporting pathogenic, (I) - Information, (SB) - Supporting benign

Literature cited by the submitters: PubMed 20301699; PubMed 24381114; PubMed 29460469.